The following is an entry in ClinVar:

NM_004836.7(EIF2AK3):c.2092C>T (p.Arg698Cys)

Genes: EIF2AK3 (eukaryotic translation initiation factor 2 alpha kinase 3; minus strand), EIF2AK3-AS1 (EIF2AK3 antisense RNA 1; plus strand). Cytogenetic location: 2p11.2.
Variant type: single nucleotide variant.
Coding change: c.2092C>T on transcript NM_004836.7 (MANE Select); coding-DNA position 2092, C replaced by T.
Protein change: p.Arg698Cys; replaces arginine 698 with cysteine.
Molecular consequence: missense variant. On other transcripts: non-coding transcript variant (1).
Genome position (GRCh38, 1-based): chr2:88,575,391, G>A on the plus strand (C>T on the coding strand, the complement: EIF2AK3 is on the minus strand). VCF-style: chr2-88575391-G-A. GRCh37 (hg19) VCF-style: chr2-88874909-G-A.
Other names: c.1639C>T, p.Arg547Cys (NM_001313915.2); short protein forms R547C, R698C.
Identifiers: ClinVar variation 1426106 (VCV001426106.30), dbSNP rs189064501, ClinGen allele CA1754510.

ClinVar aggregate classification (germline): Uncertain significance. Review status: criteria provided, multiple submitters, no conflicts (2 of 4 stars). 3 submissions from 3 submitters: Uncertain significance (3). Last evaluated 2025-07-02.

Conditions:
Wolcott-Rallison dysplasia. Also called: Wolcott-Rallison syndrome; MED-IDDM SYNDROME. Identifiers: Orphanet 1667, MedGen C0432217, MONDO:0009192, OMIM 226980.

Allele frequency attached by ClinVar (database versions not stated): ESP Exome Variant Server 0.00008; 1000 Genomes Project 30x 0.00016.
gnomAD v4.1: 90 of 1,613,170 alleles (0.0056%); highest among the groups gnomAD compares: South Asian, 0.024%; no homozygotes.

Submissions (3):

Labcorp Genetics (formerly Invitae), Labcorp
Classification: Uncertain significance. Last evaluated: 2025-07-02. Review status: criteria provided, single submitter. Criteria: Invitae Variant Classification Sherloc (09022015). Collection method: clinical testing. Allele origin: germline.
Comment: This sequence change replaces arginine, which is basic and polar, with cysteine, which is neutral and slightly polar, at codon 698 of the EIF2AK3 protein (p.Arg698Cys). This variant is present in population databases (rs189064501, gnomAD 0.03%). This variant has not been reported in the literature in individuals affected with EIF2AK3-related conditions. ClinVar contains an entry for this variant (Variation ID: 1426106). An algorithm developed to predict the effect of missense changes on protein structure and function outputs the following: PolyPhen-2: "Benign". The cysteine amino acid residue is found in multiple mammalian species, which suggests that this missense change does not adversely affect protein function. In summary, the available evidence is currently insufficient to determine the role of this variant in disease. Therefore, it has been classified as a Variant of Uncertain Significance.

Fulgent Genetics
Classification: Uncertain significance for Wolcott-Rallison dysplasia. Last evaluated: 2024-05-14. Review status: criteria provided, single submitter. Criteria: ACMG Guidelines, 2015. Collection method: clinical testing. Allele origin: germline.

CeGaT Center for Human Genetics Tuebingen
Classification: Uncertain significance. Last evaluated: 2024-02-01. Review status: criteria provided, single submitter. Criteria: CeGaT Center For Human Genetics Tuebingen Variant Classification Criteria Version 2. Collection method: clinical testing. Allele origin: germline. Affected: yes. Observed: 1 variant allele.
Comment: EIF2AK3: PM2, BP4